The following is an entry in ClinVar:

NM_020975.6(RET):c.1226C>T (p.Ser409Phe)

Gene: RET (ret proto-oncogene; plus strand). Cytogenetic location: 10q11.21.
Variant type: single nucleotide variant.
Coding change: c.1226C>T on transcript NM_020975.6 (MANE Select); coding-DNA position 1226, C replaced by T.
Protein change: p.Ser409Phe; replaces serine 409 with phenylalanine.
Molecular consequence: missense variant. On other transcripts: intron variant (18).
Genome position (GRCh38, 1-based): chr10:43,109,193, C>T. VCF-style: chr10-43109193-C-T. GRCh37 (hg19) VCF-style: chr10-43604641-C-T.
Other names: c.1226C>T, p.Ser409Phe (NM_000323.2, NM_001406743.1, NM_001406744.1 and 6 more transcripts); c.464C>T, p.Ser155Phe (NM_001355216.2); c.1097C>T, p.Ser366Phe (NM_001406761.1, NM_001406762.1, NM_001406764.1 and 1 more transcripts); c.938C>T, p.Ser313Phe (NM_001406766.1, NM_001406767.1, NM_001406770.1); c.788C>T, p.Ser263Phe (NM_001406771.1, NM_001406773.1); c.500C>T, p.Ser167Phe (NM_001406775.1, NM_001406776.1, NM_001406777.1 and 1 more transcripts); c.236C>T, p.Ser79Phe (NM_001406784.1); c.868-2014C>T (NM_001406772.1, NM_001406769.1); and 5 more; short protein forms S155F, S167F, S263F, S313F, S366F, S409F, S79F.
Identifiers: ClinVar variation 3227502 (VCV003227502.2), dbSNP rs771636042, ClinGen allele CA376547926.
Genomic context (GRCh38, chr10:43,109,193, plus strand): 5'-TCTTGCTCCACTTCAACGTGTCGGTGCTGCCGGTCAGCCTGCACCTGCCCAGTACCTACT[C>T]CCTCTCCGTGAGCAGGAGGGCTCGCCGATTTGCCCAGGTGAGCCCATACCTATTGCCTGT-3'
Protein context (NP_066124.1, residues 399-419): PVSLHLPSTY[Ser409Phe]LSVSRRARRF

ClinVar aggregate classification (germline): Uncertain significance. Review status: criteria provided, multiple submitters, no conflicts (2 of 4 stars). 2 submissions from 2 submitters: Uncertain significance (2). Last evaluated 2025-07-28.

Conditions:
Multiple endocrine neoplasia, type 2 (MEN2). Identifiers: Orphanet 653, MedGen C4048306, MONDO:0019003. Disease mechanism: gain of function.
Hereditary cancer-predisposing syndrome. Also called: Neoplastic Syndromes, Hereditary; Tumor predisposition; Hereditary neoplastic syndrome; Hereditary Cancer Syndrome. Identifiers: Orphanet 140162, MedGen C0027672, MeSH D009386, MONDO:0015356.

Submissions (2):

Labcorp Genetics (formerly Invitae), Labcorp
Classification: Uncertain significance for Multiple endocrine neoplasia, type 2. Last evaluated: 2025-07-28. Review status: criteria provided, single submitter. Criteria: Invitae Variant Classification Sherloc (09022015). Collection method: clinical testing. Allele origin: germline.
Comment: This sequence change replaces serine, which is neutral and polar, with phenylalanine, which is neutral and non-polar, at codon 409 of the RET protein (p.Ser409Phe). This variant is not present in population databases (gnomAD no frequency). This variant has not been reported in the literature in individuals affected with RET-related conditions. ClinVar contains an entry for this variant (Variation ID: 3227502). An algorithm developed to predict the effect of missense changes on protein structure and function (PolyPhen-2) suggests that this variant is likely to be tolerated. In summary, the available evidence is currently insufficient to determine the role of this variant in disease. Therefore, it has been classified as a Variant of Uncertain Significance.

Ambry Genetics
Classification: Uncertain significance for Hereditary cancer-predisposing syndrome. Last evaluated: 2024-01-25. Review status: criteria provided, single submitter. Criteria: Ambry Variant Classification Scheme 2023. Collection method: clinical testing. Allele origin: germline.
Comment: The p.S409F variant (also known as c.1226C>T), located in coding exon 6 of the RET gene, results from a C to T substitution at nucleotide position 1226. The serine at codon 409 is replaced by phenylalanine, an amino acid with highly dissimilar properties. This amino acid position is conserved. In addition, this alteration is predicted to be tolerated by in silico analysis. Based on the available evidence, the clinical significance of this alteration remains unclear.